The following is an entry in ClinVar:

ClinVar aggregate classification (germline): Pathogenic. Review status: criteria provided, multiple submitters, no conflicts (2 of 4 stars). 6 submissions from 6 submitters: Pathogenic (6). Last evaluated 2025-11-18.

Conditions:
Long QT syndrome (LQTS). Identifiers: MedGen C0023976, MeSH D008133, MONDO:0002442. Disease mechanism: loss of function. Inheritance: Various modes of inheritance.
Cardiovascular phenotype. Identifiers: MedGen CN230736.
Jervell and Lange-Nielsen syndrome 2 (JLNS2). Identifiers: Orphanet 768, Orphanet 90647, MedGen C2676723, MONDO:0012871, OMIM 612347.
Long QT syndrome 5 (LQT5). Identifiers: Orphanet 101016, Orphanet 768, MedGen C1867904, MONDO:0013372, OMIM 613695.

Allele frequency attached by ClinVar (database versions not stated): gnomAD exomes below 0.00001.

Submissions (6):

Labcorp Genetics (formerly Invitae), Labcorp
Classification: Pathogenic for Long QT syndrome. Last evaluated: 2025-11-18. Review status: criteria provided, single submitter. Criteria: Invitae Variant Classification Sherloc (09022015). Collection method: clinical testing. Allele origin: germline.
Comment: This sequence change creates a premature translational stop signal (p.Asn5*) in the KCNE1 gene. While this is not anticipated to result in nonsense mediated decay, it is expected to disrupt the last 125 amino acid(s) of the KCNE1 protein. This variant is present in population databases (no rsID available, gnomAD 0.0009%). This premature translational stop signal has been observed in individual(s) with long-QT syndrome (PMID: 19716085). This variant is also known as 13insT. ClinVar contains an entry for this variant (Variation ID: 430060). Algorithms developed to predict the effect of sequence changes on RNA splicing suggest that this variant may disrupt the consensus splice site. This variant disrupts a region of the KCNE1 protein in which other variant(s) (p.Asp76Asn) have been determined to be pathogenic (PMID: 9354802, 24400172, 24606995). This suggests that this is a clinically significant region of the protein, and that variants that disrupt it are likely to be disease-causing. For these reasons, this variant has been classified as Pathogenic.

Victorian Clinical Genetics Services, Murdoch Childrens Research Institute
Classification: Pathogenic for Jervell and Lange-Nielsen syndrome 2. Last evaluated: 2024-10-09. Review status: criteria provided, single submitter. Criteria: ACMG Guidelines, 2015. Collection method: clinical testing. Allele origin: germline. Inheritance: Autosomal recessive inheritance. Affected: yes.
Comment: Based on the classification scheme VCGS_Germline_v1.3.4, this variant is classified as Pathogenic. Following criteria are met: 0102 - Loss of function is a known mechanism of disease in this gene and is associated with Jervell and Lange-Nielsen syndrome 2 (MIM#612347) and long QT syndrome 5 (MIM#613695) (PMID: 31941373). This gene has limited evidence for association with long QT syndrome, however it has strong evidence for the association with acquired long QT syndrome (PanelApp Australia, PMID: 31983240, 35373836). (I) 0108 - This gene is associated with both recessive and dominant disease. Biallelic and monoallelic variants in this gene have been associated with Jervell and Lange-Nielsen syndrome 2 (MIM#612347) and long QT syndrome 5 (MIM#613695), respectively. (I) 0112 - The condition associated with this gene has incomplete penetrance. Weak penetrance has been reported for KCNE1 variants associated with long QT syndrome (PMID: 31941373). (I) 0204 - Variant is predicted to result in a truncated protein (premature termination codon is NOT located at least 54 nucleotides upstream of the final exon-exon junction) with at least 1/3 of the protein sequence affected. (SP) 0252 - This variant is homozygous. (I) 0304 - Variant is present in gnomAD (v4) <0.01 (2 heterozygotes, 0 homozygotes). (SP) 0600 - Variant truncates the annotated ISK channel (DECIPHER). (I) 0701 - Other downstream protein truncating variants comparable to the one identified in this case have very strong previous evidence for pathogenicity (DECIPHER). (SP) 0801 - This variant has strong previous evidence of pathogenicity in unrelated individuals. This variant has been classified as pathogenic by multiple clinical laboratories in ClinVar. (SP) 1207 - Parental origin of the variant is unresolved. (I) Legend: (SP) - Supporting pathogenic, (I) - Information, (SB) - Supporting benign

Ambry Genetics
Classification: Pathogenic for Cardiovascular phenotype. Last evaluated: 2023-06-07. Review status: criteria provided, single submitter. Criteria: Ambry Variant Classification Scheme 2023. Collection method: clinical testing. Allele origin: germline.
Comment: The c.12dupT pathogenic mutation, located in coding exon 1 of the KCNE1 gene, results from a duplication of T at nucleotide position 12, causing a translational frameshift with a predicted alternate stop codon (p.N5*). This variant has been reported in several long QT and/or Jervell and Lange-Nielsen syndrome cohorts, but clinical information was limited (Kapplinger JD et al. Heart Rhythm. 2009;6(9):1297-303; Faridi R et al. Hum Mutat, 2019 Feb;40:162-176; Marschall C et al. Cardiovasc Diagn Ther, 2019 Oct;9:S292-S298; Roberts JD et al. Circulation, 2020 Feb;141:429-439). This variant is considered to be rare based on population cohorts in the Genome Aggregation Database (gnomAD). This alteration is expected to result in loss of function by premature protein truncation. As such, this alteration is interpreted as a disease-causing mutation. However, pathogenic and likely pathogenic KCNE1 variants typically exhibit low penetrance in the heterozygous state and may represent risk factors that manifest clinically only in the presence of additional genetic or environmental factors (Roberts JD et al. Circulation. 2020 02;141(6):429-439).

Fulgent Genetics
Classification: Pathogenic for Jervell and Lange-Nielsen syndrome 2; Long QT syndrome 5. Last evaluated: 2021-07-08. Review status: criteria provided, single submitter. Criteria: ACMG Guidelines, 2015. Collection method: clinical testing. Allele origin: unknown.

Institute of Medical Genetics and Applied Genomics, University Hospital Tübingen
Classification: Pathogenic. Last evaluated: 2020-10-23. Review status: criteria provided, single submitter. Criteria: ACMG Guidelines, 2015. Collection method: clinical testing. Allele origin: germline. Inheritance: Autosomal unknown. Affected: yes.

GeneDx
Classification: Pathogenic. Last evaluated: 2015-10-12. Review status: criteria provided, single submitter. Criteria: GeneDx Variant Classification (06012015). Collection method: clinical testing. Allele origin: germline. Affected: yes.
Comment: The c.12dupT variant in the KCNE1 gene has been observed in an individual referred for LQTS testing and was absent from over 2,600 reference alleles (Kapplinger et al., 2009). This variant causes a shift in reading frame starting at codon Asparagine 5, which creates a premature stop codon at this position of the new reading frame, denoted p.N5X. This pathogenic variant is expected to result in an abnormal, truncated protein product. Other frameshift variants in the KCNE1 gene have been reported in HGMD in association with arrhythmia (Stenson et al., 2014). Furthermore, the c.12dupT variant was not observed in approximately 6,500 individuals of European and African American ancestry in the NHLBI Exome Sequencing Project, indicating it is not a common benign variant in these populations.In summary, c.12dupT in the KCNE1 gene is interpreted as a pathogenic variant.

Literature cited by the submitters: PubMed 19716085 (cited by Labcorp Genetics (formerly Invitae), Labcorp and Ambry Genetics); PubMed 9354802 (cited by Labcorp Genetics (formerly Invitae), Labcorp); PubMed 24400172 (cited by Labcorp Genetics (formerly Invitae), Labcorp); PubMed 24606995 (cited by Labcorp Genetics (formerly Invitae), Labcorp); PubMed 31941373 (cited by Victorian Clinical Genetics Services, Murdoch Childrens Research Institute and Ambry Genetics); PubMed 31983240 (cited by Victorian Clinical Genetics Services, Murdoch Childrens Research Institute); PubMed 35373836 (cited by Victorian Clinical Genetics Services, Murdoch Childrens Research Institute); PubMed 30461122 (cited by Ambry Genetics); PubMed 31737537 (cited by Ambry Genetics).

NM_000219.6(KCNE1):c.12dup (p.Asn5Ter)

Gene: KCNE1 (potassium voltage-gated channel subfamily E regulatory subunit 1; minus strand). Cytogenetic location: 21q22.12.
Variant type: Duplication.
Coding change: c.12dup on transcript NM_000219.6 (MANE Select); coding-DNA position 12, one base duplicated (T; older notation c.12dupT).
Protein change: p.Asn5Ter; replaces asparagine 5 with a stop codon.
Molecular consequence: nonsense.
Genome position (GRCh38, 1-based): chr21:34,449,623, A duplicated on the plus strand (T on the coding strand, the reverse complement: KCNE1 is on the minus strand). VCF-style (leftmost placement, unchanged base first): chr21-34449622-T-TA. GRCh37 (hg19) VCF-style: chr21-35821920-T-TA.
Other names: c.12dupT (NM_000219.5, NM_000219.4); c.12dup, p.Asn5Ter (NM_001127668.4, NM_001127669.4, NM_001127670.4 and 4 more transcripts); short protein forms N5*.
Identifiers: ClinVar variation 430060 (VCV000430060.17), dbSNP rs1131691762, ClinGen allele CA645369791.